The following is an entry in ClinVar:

NM_022051.3(EGLN1):c.184G>A (p.Glu62Lys)

Gene: EGLN1 (egl-9 family hypoxia inducible factor 1; minus strand). Cytogenetic location: 1q42.2.
Variant type: single nucleotide variant.
Coding change: c.184G>A on transcript NM_022051.3 (MANE Select); coding-DNA position 184, G replaced by A.
Protein change: p.Glu62Lys; replaces glutamic acid 62 with lysine.
Molecular consequence: missense variant.
Genome position (GRCh38, 1-based): chr1:231,421,705, C>T on the plus strand (G>A on the coding strand, the complement: EGLN1 is on the minus strand). VCF-style: chr1-231421705-C-T. GRCh37 (hg19) VCF-style: chr1-231557451-C-T.
Other names: c.184G>A, p.Glu62Lys (NM_001377260.1, NM_001377261.1); short protein forms E62K.
Identifiers: ClinVar variation 2589079 (VCV002589079.2), dbSNP rs2527361454, ClinGen allele CA345238730.

ClinVar aggregate classification (germline): Uncertain significance (1 of 4 stars; one submission).

Submission:

Ambry Genetics
Classification: Uncertain significance. Last evaluated: 2023-09-05. Review status: criteria provided, single submitter. Criteria: Ambry Variant Classification Scheme 2023. Collection method: clinical testing. Allele origin: germline.
Comment: The p.E62K variant (also known as c.184G>A), located in coding exon 1 of the EGLN1 gene, results from a G to A substitution at nucleotide position 184. The glutamic acid at codon 62 is replaced by lysine, an amino acid with similar properties. This amino acid position is conserved. In addition, this alteration is predicted to be tolerated by in silico analysis. Since supporting evidence is limited at this time, the clinical significance of this alteration remains unclear.